The following is an entry in ClinVar:

ClinVar aggregate classification (germline): Uncertain significance (1 of 4 stars; one submission).

Conditions:
KSR2-related disorder. Also called: KSR2-related condition.

gnomAD v4.1: 3 of 1,610,692 alleles (0.00019%); highest among the groups gnomAD compares: African/African-American, 0.0013%; no homozygotes.

Submission:

PreventionGenetics, part of Exact Sciences
Classification: Uncertain significance for KSR2-related condition. Last evaluated: 2025-06-17. Review status: criteria provided, single submitter. Criteria: ACMG Guidelines, 2015. Collection method: clinical testing. Allele origin: germline.
Comment: The KSR2 c.1487C>T variant is predicted to result in the amino acid substitution p.Thr496Met. To our knowledge, this variant has not been reported in the literature. This variant is reported in 0.00090% of alleles in individuals of European (Non-Finnish) descent in gnomAD. At this time, the clinical significance of this variant is uncertain due to the absence of conclusive functional and genetic evidence.

NM_173598.6(KSR2):c.1574C>T (p.Thr525Met)

Gene: KSR2 (kinase suppressor of ras 2; minus strand). Cytogenetic location: 12q24.22.
Variant type: single nucleotide variant.
Coding change: c.1574C>T on transcript NM_173598.6 (MANE Select); coding-DNA position 1574, C replaced by T.
Protein change: p.Thr525Met; replaces threonine 525 with methionine.
Molecular consequence: missense variant.
Genome position (GRCh38, 1-based): chr12:117,539,832, G>A on the plus strand (C>T on the coding strand, the complement: KSR2 is on the minus strand). VCF-style: chr12-117539832-G-A. GRCh37 (hg19) VCF-style: chr12-117977637-G-A.
Other names: short protein forms T525M.
Identifiers: ClinVar variation 4999733 (VCV004999733.1).
Genomic context (GRCh38, chr12:117,539,832, plus strand): 5'-GGAGAAGGCGGCGTGGCACTAGGAGGGAGGGGGGGTGCTGGCGAGGAGGGCGTGGAGGAC[G>A]TCGTGGAGGAGGGGTTGCTGCTGGAGTCTGGCTGGTAAGGGACAGGGATGTGGTCCTGCA-3'
Protein context (NP_775869.4, residues 515-535): PDSSSNPSST[Thr525Met]SSTPSSPAPP